The following is an entry in ClinVar:

NM_194277.3(FRMD7):c.97A>G (p.Ser33Gly)

Gene: FRMD7 (FERM domain containing 7; minus strand). Cytogenetic location: Xq26.2.
Variant type: single nucleotide variant.
Coding change: c.97A>G on transcript NM_194277.3 (MANE Select); coding-DNA position 97, A replaced by G.
Protein change: p.Ser33Gly; replaces serine 33 with glycine.
Molecular consequence: missense variant.
Genome position (GRCh38, 1-based): chrX:132,100,677, T>C on the plus strand (A>G on the coding strand, the complement: FRMD7 is on the minus strand). VCF-style: chrX-132100677-T-C. GRCh37 (hg19) VCF-style: chrX-131234705-T-C.
Other names: c.97A>G, p.Ser33Gly (NM_001306193.2); short protein forms S33G.
Identifiers: ClinVar variation 1490674 (VCV001490674.6), dbSNP rs2124252743, ClinGen allele CA414682249.

ClinVar aggregate classification (germline): Uncertain significance (1 of 4 stars; one submission).

Allele frequency attached by ClinVar (database versions not stated): gnomAD exomes below 0.00001.
gnomAD v4.1: 2 of 1,208,552 alleles (0.00017%); highest among the groups gnomAD compares: South Asian, 0.0035%; no homozygotes.

Submission:

Labcorp Genetics (formerly Invitae), Labcorp
Classification: Uncertain significance. Last evaluated: 2022-08-22. Review status: criteria provided, single submitter. Criteria: Invitae Variant Classification Sherloc (09022015). Collection method: clinical testing. Allele origin: germline.
Comment: This variant has not been reported in the literature in individuals affected with FRMD7-related conditions. In summary, the available evidence is currently insufficient to determine the role of this variant in disease. Therefore, it has been classified as a Variant of Uncertain Significance. Algorithms developed to predict the effect of missense changes on protein structure and function output the following: SIFT: "Tolerated"; PolyPhen-2: "Benign"; Align-GVGD: "Class C0". The glycine amino acid residue is found in multiple mammalian species, which suggests that this missense change does not adversely affect protein function. ClinVar contains an entry for this variant (Variation ID: 1490674). This variant is not present in population databases (gnomAD no frequency). This sequence change replaces serine, which is neutral and polar, with glycine, which is neutral and non-polar, at codon 33 of the FRMD7 protein (p.Ser33Gly).